The following is an entry in ClinVar:

NM_000540.3(RYR1):c.11986G>A (p.Ala3996Thr)

Gene: RYR1 (ryanodine receptor 1; plus strand). Cytogenetic location: 19q13.2.
Variant type: single nucleotide variant.
Coding change: c.11986G>A on transcript NM_000540.3 (MANE Select); coding-DNA position 11986, G replaced by A.
Protein change: p.Ala3996Thr; replaces alanine 3996 with threonine.
Molecular consequence: missense variant.
Genome position (GRCh38, 1-based): chr19:38,543,849, G>A. VCF-style: chr19-38543849-G-A. GRCh37 (hg19) VCF-style: chr19-39034489-G-A.
Other names: c.11971G>A, p.Ala3991Thr (NM_001042723.2); short protein forms A3996T, A3991T.
Identifiers: ClinVar variation 5010003 (VCV005010003.1).

ClinVar aggregate classification (germline): Uncertain significance (1 of 4 stars; one submission).

gnomAD v4.1: 1 of 1,613,722 alleles (0.000062%); highest among the groups gnomAD compares: Non-Finnish European, 0.000085%; no homozygotes.

Submission:

GeneDx
Classification: Uncertain significance. Last evaluated: 2026-02-23. Review status: criteria provided, single submitter. Criteria: GeneDx Variant Classification Process June 2021. Collection method: clinical testing. Allele origin: germline.
Comment: Not observed at significant frequency in large population cohorts (gnomAD); In silico analysis supports that this missense variant has a deleterious effect on protein structure/function; Has not been previously published as pathogenic or benign to our knowledge